The following is an entry in ClinVar:

NM_007294.4(BRCA1):c.4978G>A (p.Glu1660Lys)

Gene: BRCA1 (BRCA1 DNA repair associated; minus strand). Cytogenetic location: 17q21.31.
Variant type: single nucleotide variant.
Coding change: c.4978G>A on transcript NM_007294.4 (MANE Select); coding-DNA position 4978, G replaced by A.
Protein change: p.Glu1660Lys; replaces glutamic acid 1660 with lysine.
Molecular consequence: missense variant. On other transcripts: non-coding transcript variant (1).
Genome position (GRCh38, 1-based): chr17:43,070,936, C>T on the plus strand (G>A on the coding strand, the complement: BRCA1 is on the minus strand). VCF-style: chr17-43070936-C-T. GRCh37 (hg19) VCF-style: chr17-41222953-C-T.
Other names: c.4765G>A, p.Glu1589Lys (NM_001407571.1, NM_001407894.1, NM_001407895.1 and 12 more transcripts); c.5044G>A, p.Glu1682Lys (NM_001407581.1, NM_001407582.1); c.5041G>A, p.Glu1681Lys (NM_001407583.1, NM_001407585.1, NM_001407587.1 and 1 more transcripts); c.5038G>A, p.Glu1680Lys (NM_001407590.1, NM_001407591.1); c.4978G>A, p.Glu1660Lys (NM_001407593.1, NM_001407594.1, NM_001407596.1 and 8 more transcripts); c.4975G>A, p.Glu1659Lys (NM_001407610.1, NM_001407621.1, NM_001407622.1 and 17 more transcripts); c.4972G>A, p.Glu1658Lys (NM_001407627.1, NM_001407628.1, NM_001407629.1 and 14 more transcripts); c.4969G>A, p.Glu1657Lys (NM_001407644.1, NM_001407645.1); and 70 more; short protein forms E1613K, E1660K, E1681K, E556K, E1363K, E1533K, E1547K, E1548K.
Identifiers: ClinVar variation 868467 (VCV000868467.3), dbSNP rs2052356742, ClinGen allele CA10591572.

Conditions:
Breast-ovarian cancer, familial, susceptibility to, 1 (BROVCA1). Also called: BRCA1 Hereditary Breast and Ovarian Cancer; OVARIAN CANCER, SUSCEPTIBILITY TO. Identifiers: Orphanet 145, MedGen C2676676, MONDO:0011450, OMIM 604370. Disease mechanism: loss of function.

Submission:

Brotman Baty Institute, University of Washington
No classification provided (evidence only). Condition: Breast-ovarian cancer, familial 1. Review status: no classification provided. Collection method: in vitro. Allele origin: not applicable. Functional consequence: functionally_normal.
ClinVar note: "not provided" was previously submitted as the classification for the variant. However, the classification appeared to be based only on an observation of functional data so it was converted to no classification on 2025-07-30.